The following is an entry in ClinVar:

NM_017802.4(DNAAF5):c.1069C>T (p.Leu357Phe)

Gene: DNAAF5 (dynein axonemal assembly factor 5; plus strand). Cytogenetic location: 7p22.3.
Variant type: single nucleotide variant.
Coding change: c.1069C>T on transcript NM_017802.4 (MANE Select); coding-DNA position 1069, C replaced by T.
Protein change: p.Leu357Phe; replaces leucine 357 with phenylalanine.
Molecular consequence: missense variant. On other transcripts: non-coding transcript variant (1).
Genome position (GRCh38, 1-based): chr7:754,633, C>T. VCF-style: chr7-754633-C-T. GRCh37 (hg19) VCF-style: chr7-794270-C-T.
Other names: short protein forms L357F.
Identifiers: ClinVar variation 2807980 (VCV002807980.3), dbSNP rs2484100950, ClinGen allele CA366536307.
Genomic context (GRCh38, chr7:754,633, plus strand): 5'-CCCTTTTTCGTTCCAGAGCGCCGCCCTGTGCTGGGCTGCCGGGAGCTCGTCTTCAGGAAC[C>T]TCTCCAAGATCCTCCCTGCCCTGTGCCACGACATCACCGACTGGGTGGTGGGGACCCGAG-3'
Protein context (NP_060272.3, residues 347-367): LGCRELVFRN[Leu357Phe]SKILPALCHD

ClinVar aggregate classification (germline): Uncertain significance (1 of 4 stars; one submission).

Conditions:
Primary ciliary dyskinesia. Also called: Ciliary dyskinesia. Identifiers: Orphanet 244, MedGen C0008780, MONDO:0016575, HP:0012265.

Submission:

Labcorp Genetics (formerly Invitae), Labcorp
Classification: Uncertain significance for Primary ciliary dyskinesia. Last evaluated: 2023-12-01. Review status: criteria provided, single submitter. Criteria: Invitae Variant Classification Sherloc (09022015). Collection method: clinical testing. Allele origin: germline.
Comment: This sequence change replaces leucine, which is neutral and non-polar, with phenylalanine, which is neutral and non-polar, at codon 357 of the DNAAF5 protein (p.Leu357Phe). This variant is not present in population databases (gnomAD no frequency). This variant has not been reported in the literature in individuals affected with DNAAF5-related conditions. Advanced modeling of protein sequence and biophysical properties (such as structural, functional, and spatial information, amino acid conservation, physicochemical variation, residue mobility, and thermodynamic stability) performed at Invitae indicates that this missense variant is not expected to disrupt DNAAF5 protein function with a negative predictive value of 80%. In summary, the available evidence is currently insufficient to determine the role of this variant in disease. Therefore, it has been classified as a Variant of Uncertain Significance.